The following is an entry in ClinVar:

NM_001371623.1(TCOF1):c.4361A>C (p.Glu1454Ala)

Gene: TCOF1 (treacle ribosome biogenesis factor 1; plus strand). Cytogenetic location: 5q32.
Variant type: single nucleotide variant.
Coding change: c.4361A>C on transcript NM_001371623.1 (MANE Select); coding-DNA position 4361, A replaced by C.
Protein change: p.Glu1454Ala; replaces glutamic acid 1454 with alanine.
Molecular consequence: missense variant.
Genome position (GRCh38, 1-based): chr5:150,398,369, A>C. VCF-style: chr5-150398369-A-C. GRCh37 (hg19) VCF-style: chr5-149777932-A-C.
Other names: c.4127A>C, p.Glu1376Ala (NM_000356.4); c.4358A>C, p.Glu1453Ala (NM_001135243.2); c.4247A>C, p.Glu1416Ala (NM_001135244.2); c.4130A>C, p.Glu1377Ala (NM_001135245.2); c.4244A>C, p.Glu1415Ala (NM_001195141.2); short protein forms E1415A, E1377A, E1416A, E1453A, E1376A, E1454A.
Identifiers: ClinVar variation 1490600 (VCV001490600.8), dbSNP rs1561543582, ClinGen allele CA361744774.
Genomic context (GRCh38, chr5:150,398,369, plus strand): 5'-AGGATTACCATCTGTTGTTCAGGAACTTTACTTTACTTCCCTTAGGAAAAAAAGACAAAG[A>C]AAAAAAAGAAAAGAAGAAGAAAGCAAAAAAGGCCTCAACCAAAGATTCTGAGTCACCGTC-3'
Protein context (NP_001358552.1, residues 1444-1464): KKSDKRKKDK[Glu1454Ala]KKEKKKKAKK

ClinVar aggregate classification (germline): Uncertain significance (1 of 4 stars; one submission).

Conditions:
Treacher Collins syndrome 1 (TCS1). Also called: TCOF1-Related Treacher Collins Syndrome. Identifiers: Orphanet 861, MedGen CN315775, MONDO:0007944, OMIM 154500.

Submission:

Labcorp Genetics (formerly Invitae), Labcorp
Classification: Uncertain significance for Treacher Collins syndrome 1. Last evaluated: 2024-10-17. Review status: criteria provided, single submitter. Criteria: Invitae Variant Classification Sherloc (09022015). Collection method: clinical testing. Allele origin: germline.
Comment: This sequence change replaces glutamic acid, which is acidic and polar, with alanine, which is neutral and non-polar, at codon 1453 of the TCOF1 protein (p.Glu1453Ala). This variant is not present in population databases (gnomAD no frequency). This variant has not been reported in the literature in individuals affected with TCOF1-related conditions. ClinVar contains an entry for this variant (Variation ID: 1490600). Experimental studies and prediction algorithms are not available or were not evaluated, and the functional significance of this variant is currently unknown. In summary, the available evidence is currently insufficient to determine the role of this variant in disease. Therefore, it has been classified as a Variant of Uncertain Significance.